The following is an entry in ClinVar:

ClinVar aggregate classification (germline): Likely benign. Review status: criteria provided, multiple submitters, no conflicts (2 of 4 stars). 2 submissions from 2 submitters: Likely benign (2). Last evaluated 2025-10-01.

Conditions:
Parkinsonism-dystonia, infantile. Identifiers: Orphanet 238455, MedGen C2751067, MONDO:0013150.
SLC6A3-related disorder. Also called: SLC6A3-related condition.

gnomAD v4.1: 50 of 1,614,110 alleles (0.0031%); highest among the groups gnomAD compares: South Asian, 0.022%; no homozygotes.

Submissions (2):

Labcorp Genetics (formerly Invitae), Labcorp
Classification: Likely benign for Parkinsonism-dystonia, infantile. Last evaluated: 2025-10-01. Review status: criteria provided, single submitter. Criteria: Invitae Variant Classification Sherloc (09022015). Collection method: clinical testing. Allele origin: germline.

PreventionGenetics, part of Exact Sciences
Classification: Likely benign for SLC6A3-related condition. Last evaluated: 2025-09-02. Review status: criteria provided, single submitter. Criteria: ACMG Guidelines, 2015. Collection method: clinical testing. Allele origin: germline.
Comment: This variant is classified as likely benign based on ACMG/AMP sequence variant interpretation guidelines (Richards et al. 2015 PMID: 25741868, with internal and published modifications).

NM_001044.5(SLC6A3):c.39C>T (p.Ser13=)

Gene: SLC6A3 (solute carrier family 6 member 3). Cytogenetic location: 5p15.33.
Variant type: single nucleotide variant.
Coding change: c.39C>T on transcript NM_001044.5 (MANE Select); coding-DNA position 39, C replaced by T.
Protein change: p.Ser13=; no amino-acid change (serine 13 retained).
Molecular consequence: synonymous variant.
Genome position (GRCh38, 1-based): chr5:1,443,159, G>A on the plus strand (C>T on the coding strand, the complement: SLC6A3 is on the minus strand). VCF-style: chr5-1443159-G-A. GRCh37 (hg19) VCF-style: chr5-1443274-G-A.
Other names: c.39C>T (NM_001044.4).
Identifiers: ClinVar variation 4803744 (VCV004803744.2).
Genomic context (GRCh38, chr5:1,443,159, plus strand): 5'-AAGGATGAGCTCCACCTCCTTCGGGCCCACGGCATTGGGCTCCTTAGCCGGGGCCACCAC[G>A]GAAGACATGAGTCCCACGGAGCATTTGCTCTTACTCATGGGCACACTGGGAGTTGAGGAA-3'
Protein context (NP_001035.1, residues 3-23): KSKCSVGLMS[Ser13=]VVAPAKEPNA